The following is an entry in ClinVar:

NM_000231.3(SGCG):c.386G>T (p.Gly129Val)

Gene: SGCG (sarcoglycan gamma; plus strand). Cytogenetic location: 13q12.12.
Variant type: single nucleotide variant.
Coding change: c.386G>T on transcript NM_000231.3 (MANE Select); coding-DNA position 386, G replaced by T.
Protein change: p.Gly129Val; replaces glycine 129 with valine.
Molecular consequence: missense variant.
Genome position (GRCh38, 1-based): chr13:23,279,359, G>T. VCF-style: chr13-23279359-G-T. GRCh37 (hg19) VCF-style: chr13-23853498-G-T.
Other names: c.440G>T, p.Gly147Val (NM_001378244.1); c.386G>T, p.Gly129Val (NM_001378245.1, NM_001378246.1); short protein forms G129V, G147V.
Identifiers: ClinVar variation 1378312 (VCV001378312.8), dbSNP rs866412938, ClinGen allele CA246649539.

ClinVar aggregate classification (germline): Uncertain significance (1 of 4 stars; one submission).

Conditions:
Autosomal recessive limb-girdle muscular dystrophy type 2C (LGMDR5). Also called: MUSCULAR DYSTROPHY, DUCHENNE-LIKE; MUSCULAR DYSTROPHY, LIMB-GIRDLE, AUTOSOMAL RECESSIVE 5. Identifiers: Orphanet 353, MedGen C0410173, MONDO:0009677, OMIM 253700. Disease mechanism: Affects gamma-sarcoglycan and also disrupts the integrity of the entire sarcoglycan complex..

gnomAD v4.1: 1 of 1,612,284 alleles (0.000062%); highest among the groups gnomAD compares: Non-Finnish European, 0.000085%; no homozygotes.

Submission:

Labcorp Genetics (formerly Invitae), Labcorp
Classification: Uncertain significance for Autosomal recessive limb-girdle muscular dystrophy type 2C. Last evaluated: 2024-02-12. Review status: criteria provided, single submitter. Criteria: Invitae Variant Classification Sherloc (09022015). Collection method: clinical testing. Allele origin: germline.
Comment: This sequence change replaces glycine, which is neutral and non-polar, with valine, which is neutral and non-polar, at codon 129 of the SGCG protein (p.Gly129Val). This variant is not present in population databases (gnomAD no frequency). This variant has not been reported in the literature in individuals affected with SGCG-related conditions. ClinVar contains an entry for this variant (Variation ID: 1378312). An algorithm developed to predict the effect of missense changes on protein structure and function (PolyPhen-2) suggests that this variant is likely to be disruptive. In summary, the available evidence is currently insufficient to determine the role of this variant in disease. Therefore, it has been classified as a Variant of Uncertain Significance.